The following continues an entry in ClinVar:

NM_000051.4(ATM):c.2260C>A (p.Gln754Lys)

Gene: ATM. ClinVar aggregate classification (germline): Uncertain significance. Uncertain significance (13).

Submissions 11 to 15 of 15:

Color Diagnostics, LLC DBA Color Health
Classification: Uncertain significance for Hereditary cancer-predisposing syndrome. Last evaluated: 2023-01-03. Review status: criteria provided, single submitter. Criteria: ACMG Guidelines, 2015. Collection method: clinical testing. Allele origin: germline.
Comment: This missense variant replaces glutamine with lysine at codon 754 of the ATM protein. Computational prediction suggests that this variant may not impact protein structure and function (internally defined REVEL score threshold <= 0.5, PMID: 27666373). To our knowledge, functional studies have not been reported for this variant. This variant has been reported in individuals affected with breast cancer (PMID: 28779002, 33471991) or prostate cancer (PMID: 35467778). This variant has been identified in 1/31402 chromosomes in the general population by the Genome Aggregation Database (gnomAD). The available evidence is insufficient to determine the role of this variant in disease conclusively. Therefore, this variant is classified as a Variant of Uncertain Significance.

Mayo Clinic Laboratories, Mayo Clinic
Classification: Uncertain significance. Last evaluated: 2022-05-13. Review status: criteria provided, single submitter. Criteria: ACMG Guidelines, 2015. Collection method: clinical testing. Allele origin: germline. Observed: 1 variant allele.
Comment: PM2

Sema4
Classification: Uncertain significance for Hereditary cancer-predisposing syndrome. Last evaluated: 2021-06-24. Review status: criteria provided, single submitter. Criteria: Sema4 Curation Guidelines. Collection method: curation. Allele origin: germline.
Comment: The ATM c.2260C>A (p.Q754K) variant has been reported in individuals with breast cancer (PMID: 20305132, 28779002, 33471991). It was also reported in a colorectal cancer patient who also carried a PMS2 pathogenic variant which is more likely to explain the disease (PMID: 27978560). It was observed in 1/15014 chromosomes of the Non-Finnish European subpopulation in the large and broad cohorts of the Genome Aggregation Database (PMID: 32461654). The variant has been reported in ClinVar (Variation ID 141496). In silico tools suggest the impact of the variant on protein function is inconclusive though these predictions have not been confirmed by functional studies. The evidence is insufficient to meet ACMG/AMP criteria for classifying the variant as benign or pathogenic. Thus, the clinical significance of this variant is currently uncertain.

Natera, Inc.
Classification: Uncertain significance for Ataxia-telangiectasia. Last evaluated: 2020-03-07. Review status: no assertion criteria provided. Collection method: clinical testing. Allele origin: germline. Not counted in ClinVar's aggregate classification.

Department of Pathology and Laboratory Medicine, Sinai Health System
Classification: Uncertain significance. Review status: no assertion criteria provided. Collection method: clinical testing. Allele origin: unknown. Affected: yes. Observed: 1 variant allele. Study: The Canadian Open Genetics Repository (COGR). Not counted in ClinVar's aggregate classification.
Comment: The ATM p.Gln754Lysvariant was identified in 1 of 900 proband chromosomes (frequency: 0.001) from individuals or families with colorectal cancer (Pearlman 2017). The variant was identified in dbSNP (ID: rs3205809) as â€šÃ„ÃºWith Uncertain significance alleleâ€šÃ„Ã¹, and in ClinVar (classified as uncertain significance by Ambry Genetics, Invitae, GeneDx and two other submitters). The variant was identified in control databases in 1 of 30978 chromosomes at a frequency of 0.00003 (Genome Aggregation Database Feb 27, 2017) in the European population in 1 of 15014 chromosomes (freq. 0.00006), while the variant was not observed in the African, Other, Latino, Ashkenazi Jewish, East Asian, South Asian or Finnish populations. The p.Gln754 residue is conserved in mammals however four out of five computational analyses (PolyPhen-2, SIFT, AlignGVGD, BLOSUM, MutationTaster) do not suggest a high likelihood of impact to the protein; however, this information is not predictive enough to rule out pathogenicity. The variant occurs outside of the splicing consensus sequence and 1 of 4 in silico or computational prediction software programs (SpliceSiteFinder, MaxEntScan, NNSPLICE, GeneSplicer) predict a greater than 10% difference in splicing; this is not very predictive of pathogenicity. In summary, based on the above information the clinical significance of this variant cannot be determined with certainty at this time. This variant is classified as a variant of uncertain significance.

Literature cited by the submitters: PubMed 27978560 (cited by 4 submitters); PubMed 22529920 (cited by Ambry Genetics and Mayo Clinic Laboratories, Mayo Clinic); PubMed 28779002 (cited by 3 submitters); PubMed 20305132 (cited by Women's Health and Genetics/Laboratory Corporation of America, LabCorp and Sema4); PubMed 35467778 (cited by Women's Health and Genetics/Laboratory Corporation of America, LabCorp and Color Diagnostics, LLC DBA Color Health); PubMed 33471991 (cited by Color Diagnostics, LLC DBA Color Health and Sema4).